The following is an entry in ClinVar:

ClinVar aggregate classification (germline): Uncertain significance (1 of 4 stars; one submission).

Submission:

GeneDx
Classification: Uncertain significance. Last evaluated: 2024-02-05. Review status: criteria provided, single submitter. Criteria: GeneDx Variant Classification Process June 2021. Collection method: clinical testing. Allele origin: germline. Affected: yes.
Comment: Not observed at significant frequency in large population cohorts (gnomAD); In silico analysis supports that this missense variant has a deleterious effect on protein structure/function; Has not been previously published as pathogenic or benign to our knowledge

NM_000057.4(BLM):c.2524C>G (p.Leu842Val)

Gene: BLM (BLM RecQ like helicase; plus strand). Cytogenetic location: 15q26.1.
Variant type: single nucleotide variant.
Coding change: c.2524C>G on transcript NM_000057.4 (MANE Select); coding-DNA position 2524, C replaced by G.
Protein change: p.Leu842Val; replaces leucine 842 with valine.
Molecular consequence: missense variant.
Genome position (GRCh38, 1-based): chr15:90,769,555, C>G. VCF-style: chr15-90769555-C-G. GRCh37 (hg19) VCF-style: chr15-91312785-C-G.
Other names: c.2524C>G, p.Leu842Val (NM_001287246.2, NM_001287247.2); c.1399C>G, p.Leu467Val (NM_001287248.2); short protein forms L467V, L842V.
Identifiers: ClinVar variation 3368692 (VCV003368692.1).